The following is an entry in ClinVar:

NM_001035.3(RYR2):c.2707C>G (p.Gln903Glu)

Gene: RYR2 (ryanodine receptor 2; plus strand). Cytogenetic location: 1q43.
Variant type: single nucleotide variant.
Coding change: c.2707C>G on transcript NM_001035.3 (MANE Select); coding-DNA position 2707, C replaced by G.
Protein change: p.Gln903Glu; replaces glutamine 903 with glutamic acid.
Molecular consequence: missense variant.
Genome position (GRCh38, 1-based): chr1:237,506,803, C>G. VCF-style: chr1-237506803-C-G. GRCh37 (hg19) VCF-style: chr1-237670103-C-G.
Other names: short protein forms Q903E.
Identifiers: ClinVar variation 2827233 (VCV002827233.3), dbSNP rs1458382114, ClinGen allele CA345381461.

ClinVar aggregate classification (germline): Uncertain significance (1 of 4 stars; one submission).

Conditions:
Catecholaminergic polymorphic ventricular tachycardia 1. Also called: VENTRICULAR TACHYCARDIA, CATECHOLAMINERGIC POLYMORPHIC, 1, WITH OR WITHOUT ATRIAL DYSFUNCTION AND/OR DILATED CARDIOMYOPATHY; VENTRICULAR TACHYCARDIA, STRESS-INDUCED POLYMORPHIC 1; RYR2-Related Catecholaminergic Polymorphic Ventricular Tachycardia. Identifiers: Orphanet 3286, MedGen C1631597, MONDO:0011484, OMIM 604772.

Submission:

Labcorp Genetics (formerly Invitae), Labcorp
Classification: Uncertain significance for Catecholaminergic polymorphic ventricular tachycardia 1. Last evaluated: 2023-01-09. Review status: criteria provided, single submitter. Criteria: Invitae Variant Classification Sherloc (09022015). Collection method: clinical testing. Allele origin: germline.
Comment: This sequence change replaces glutamine, which is neutral and polar, with glutamic acid, which is acidic and polar, at codon 903 of the RYR2 protein (p.Gln903Glu). In summary, the available evidence is currently insufficient to determine the role of this variant in disease. Therefore, it has been classified as a Variant of Uncertain Significance. Advanced modeling of protein sequence and biophysical properties (such as structural, functional, and spatial information, amino acid conservation, physicochemical variation, residue mobility, and thermodynamic stability) performed at Invitae indicates that this missense variant is not expected to disrupt RYR2 protein function. This variant has not been reported in the literature in individuals affected with RYR2-related conditions. This variant is not present in population databases (gnomAD no frequency).